The following is an entry in ClinVar:

NM_152743.4(BRAT1):c.23T>G (p.Leu8Arg)

Gene: BRAT1 (BRCA1 associated ATM activator 1; minus strand). Cytogenetic location: 7p22.3.
Variant type: single nucleotide variant.
Coding change: c.23T>G on transcript NM_152743.4 (MANE Select); coding-DNA position 23, T replaced by G.
Protein change: p.Leu8Arg; replaces leucine 8 with arginine.
Molecular consequence: missense variant. On other transcripts: 5 prime UTR variant (1), non-coding transcript variant (1).
Genome position (GRCh38, 1-based): chr7:2,554,409, A>C on the plus strand (T>G on the coding strand, the complement: BRAT1 is on the minus strand). VCF-style: chr7-2554409-A-C. GRCh37 (hg19) VCF-style: chr7-2594043-A-C.
Other names: c.23T>G, p.Leu8Arg (NM_001350626.2); c.-355T>G (NM_001350627.2); short protein forms L8R.
Identifiers: ClinVar variation 2446642 (VCV002446642.1), dbSNP rs1364403964, ClinGen allele CA366633608.

ClinVar aggregate classification (germline): Uncertain significance (1 of 4 stars; one submission).

Allele frequency attached by ClinVar (database versions not stated): gnomAD exomes 0.00001.
gnomAD v4.1: 10 of 1,613,820 alleles (0.00062%); highest among the groups gnomAD compares: South Asian, 0.0099%; no homozygotes.

Submission:

GeneDx
Classification: Uncertain significance. Last evaluated: 2022-10-02. Review status: criteria provided, single submitter. Criteria: GeneDx Variant Classification Process June 2021. Collection method: clinical testing. Allele origin: germline. Affected: yes.
Comment: Not observed at significant frequency in large population cohorts (gnomAD); In silico analysis supports that this missense variant has a deleterious effect on protein structure/function; Has not been previously published as pathogenic or benign to our knowledge